The following is an entry in ClinVar:

NM_001378183.1(PIEZO2):c.2626C>T (p.Leu876=)

Gene: PIEZO2 (piezo type mechanosensitive ion channel component 2; minus strand). Cytogenetic location: 18p11.22.
Variant type: single nucleotide variant.
Coding change: c.2626C>T on transcript NM_001378183.1 (MANE Select); coding-DNA position 2626, C replaced by T.
Protein change: p.Leu876=; no amino-acid change (leucine 876 retained).
Molecular consequence: synonymous variant.
Genome position (GRCh38, 1-based): chr18:10,773,571, G>A on the plus strand (C>T on the coding strand, the complement: PIEZO2 is on the minus strand). VCF-style: chr18-10773571-G-A. GRCh37 (hg19) VCF-style: chr18-10773569-G-A.
Other names: c.2626C>T, p.Leu876= (NM_001410871.1); c.2551C>T, p.Leu851= (NM_022068.4).
Identifiers: ClinVar variation 2648588 (VCV002648588.24), dbSNP rs2510697246, ClinGen allele CA502890224.

ClinVar aggregate classification (germline): Likely benign (1 of 4 stars; one submission).

Submission:

CeGaT Center for Human Genetics Tuebingen
Classification: Likely benign. Last evaluated: 2022-07-01. Review status: criteria provided, single submitter. Criteria: CeGaT Center For Human Genetics Tuebingen Variant Classification Criteria Version 2. Collection method: clinical testing. Allele origin: germline. Affected: yes. Observed: 1 variant allele.
Comment: PIEZO2: PM2:Supporting, BP4, BP7